The following is an entry in ClinVar:

NM_003051.4(SLC16A1):c.764T>G (p.Leu255Ter)

Gene: SLC16A1 (solute carrier family 16 member 1; minus strand). Cytogenetic location: 1p13.2.
Variant type: single nucleotide variant.
Coding change: c.764T>G on transcript NM_003051.4 (MANE Select); coding-DNA position 764, T replaced by G.
Protein change: p.Leu255Ter; replaces leucine 255 with a stop codon.
Molecular consequence: nonsense.
Genome position (GRCh38, 1-based): chr1:112,917,642, A>C on the plus strand (T>G on the coding strand, the complement: SLC16A1 is on the minus strand). VCF-style: chr1-112917642-A-C. GRCh37 (hg19) VCF-style: chr1-113460264-A-C.
Other names: c.764T>G, p.Leu255Ter (NM_001166496.2); short protein forms L255*.
Identifiers: ClinVar variation 3361937 (VCV003361937.1).
Genomic context (GRCh38, chr1:112,917,642, plus strand): 5'-AAAAACATGATCACATTTCCAGAGAGGTATAGCAAAAAGCCTCTGTGGGTGAATAGGGTT[A>C]AGTCCAGGAACTGATTAATTGTTTGGAAGACTGATCGTTTCTCTTGTTTAGGGTGTCTTC-3'

ClinVar aggregate classification (germline): Likely pathogenic (1 of 4 stars; one submission).

Submission:

GeneDx
Classification: Likely pathogenic. Last evaluated: 2023-04-21. Review status: criteria provided, single submitter. Criteria: GeneDx Variant Classification Process June 2021. Collection method: clinical testing. Allele origin: germline. Affected: yes.
Comment: Nonsense variant predicted to result in protein truncation or nonsense mediated decay in a gene for which loss of function is a known mechanism of disease; Not observed at significant frequency in large population cohorts (gnomAD); Has not been previously published as pathogenic or benign to our knowledge